The following is an entry in ClinVar:

NM_004958.4(MTOR):c.1387C>G (p.Leu463Val)

Gene: MTOR (mechanistic target of rapamycin kinase; minus strand). Cytogenetic location: 1p36.22.
Variant type: single nucleotide variant.
Coding change: c.1387C>G on transcript NM_004958.4 (MANE Select); coding-DNA position 1387, C replaced by G.
Protein change: p.Leu463Val; replaces leucine 463 with valine.
Molecular consequence: missense variant.
Genome position (GRCh38, 1-based): chr1:11,243,139, G>C on the plus strand (C>G on the coding strand, the complement: MTOR is on the minus strand). VCF-style: chr1-11243139-G-C. GRCh37 (hg19) VCF-style: chr1-11303196-G-C.
Other names: c.1387C>G (LRG_734t1); short protein forms L463V.
Identifiers: ClinVar variation 640597 (VCV000640597.10), dbSNP rs1569773297, ClinGen allele CA338395852.

ClinVar aggregate classification (germline): Uncertain significance (1 of 4 stars; one submission).

Allele frequency attached by ClinVar (database versions not stated): gnomAD exomes 0.00001.
gnomAD v4.1: 14 of 1,614,180 alleles (0.00087%); highest among the groups gnomAD compares: Non-Finnish European, 0.0012%; no homozygotes.

Submission:

Labcorp Genetics (formerly Invitae), Labcorp
Classification: Uncertain significance. Last evaluated: 2024-05-15. Review status: criteria provided, single submitter. Criteria: Invitae Variant Classification Sherloc (09022015). Collection method: clinical testing. Allele origin: germline.
Comment: This sequence change replaces leucine, which is neutral and non-polar, with valine, which is neutral and non-polar, at codon 463 of the MTOR protein (p.Leu463Val). This variant is not present in population databases (gnomAD no frequency). This variant has not been reported in the literature in individuals affected with MTOR-related conditions. ClinVar contains an entry for this variant (Variation ID: 640597). Advanced modeling of protein sequence and biophysical properties (such as structural, functional, and spatial information, amino acid conservation, physicochemical variation, residue mobility, and thermodynamic stability) performed at Invitae indicates that this missense variant is not expected to disrupt MTOR protein function with a negative predictive value of 95%. In summary, the available evidence is currently insufficient to determine the role of this variant in disease. Therefore, it has been classified as a Variant of Uncertain Significance.